The following is an entry in ClinVar:

NM_012434.5(SLC17A5):c.1111G>A (p.Gly371Arg)

Gene: SLC17A5 (solute carrier family 17 member 5; minus strand). Cytogenetic location: 6q13.
Variant type: single nucleotide variant.
Coding change: c.1111G>A on transcript NM_012434.5 (MANE Select); coding-DNA position 1111, G replaced by A.
Protein change: p.Gly371Arg; replaces glycine 371 with arginine.
Molecular consequence: missense variant.
Genome position (GRCh38, 1-based): chr6:73,615,315, C>T on the plus strand (G>A on the coding strand, the complement: SLC17A5 is on the minus strand). VCF-style: chr6-73615315-C-T. GRCh37 (hg19) VCF-style: chr6-74325038-C-T.
Other names: c.880G>A, p.Gly294Arg (NM_001382629.1); c.1111G>A, p.Gly371Arg (NM_001382630.1, NM_001382633.1); c.1132G>A, p.Gly378Arg (NM_001382631.1); c.1024G>A, p.Gly342Arg (NM_001382632.1); c.952G>A, p.Gly318Arg (NM_001382634.1); c.1108G>A, p.Gly370Arg (NM_001382635.1); c.793G>A, p.Gly265Arg (NM_001382636.1); short protein forms G265R, G294R, G318R, G342R, G370R, G371R, G378R.
Identifiers: ClinVar variation 1699316 (VCV001699316.4), dbSNP rs1277966688, ClinGen allele CA364712140.

ClinVar aggregate classification (germline): Likely pathogenic (1 of 4 stars; one submission).

Conditions:
Sialic acid storage disease, severe infantile type (ISSD). Also called: INFANTILE SIALIC ACID STORAGE DISORDER; Infantile Sialic Acid Storage Disease; Free sialic acid storage disease, infantile form; N-ACETYLNEURAMINIC ACID STORAGE DISEASE; NANA STORAGE DISEASE; SIALURIA, INFANTILE FORM. Identifiers: Orphanet 309324, Orphanet 834, MedGen C1096902, MONDO:0010027, OMIM 269920.

Allele frequency attached by ClinVar (database versions not stated): TOPMed 0.00001.
gnomAD v4.1: 1 of 1,613,982 alleles (0.000062%); no homozygotes.

Submission:

Victorian Clinical Genetics Services, Murdoch Childrens Research Institute
Classification: Likely pathogenic for Sialic acid storage disease, severe infantile type. Last evaluated: 2025-12-16. Review status: criteria provided, single submitter. Criteria: ACMG Guidelines, 2015. Collection method: clinical testing. Allele origin: germline. Affected: yes.
Comment: This variant is classified as Likely pathogenic. Evidence in support of pathogenic classification: Variant is absent from gnomAD (both v2 and v3); Clinically accredited laboratory assay specific to gene product shows abnormal protein function. Another missense variant comparable to the one identified in this case has limited previous evidence for pathogenicity. p.(Gly371Val) has been observed as compound heterozygous in one individual with infantile sialic acid storage disorder (PMID: 10947946, 15516337); Missense variant consistently predicted to be damaging by multiple in silico tools or highly conserved with a major amino acid change; Heterozygous variant detected in trans with a PATHOGENIC heterozygous variant (c.1355_1356insAA; p.Val453Metfs*50) in a recessive disease. Additional information: Variant is predicted to result in a missense amino acid change from glycine to arginine; This variant is heterozygous; This gene is associated with autosomal recessive disease; An alternative amino acid change at the same position has been observed in gnomAD (v2) (1 heterozygote, 0 homozygotes); This variant has no previous evidence of pathogenicity; No published segregation evidence has been identified for this variant; Variant is located in the annotated transmembrane domain 9 (PMID: 15516337); Loss of function is a known mechanism of disease in this gene and is associated with salla disease (MIM#604369) and sialic acid storage disorder, infantile (MIM#269920).

Literature cited by the submitters: PubMed 15516337; PubMed 10947946.